The following is an entry in ClinVar:

NC_000017.10:g.(?_78155218)_(78172575_?)dup

Gene: CARD14 (caspase recruitment domain family member 14; plus strand). Cytogenetic location: 17q25.3.
Variant type: Duplication.
Identifiers: ClinVar variation 1016060 (VCV001016060.3).

ClinVar aggregate classification (germline): Uncertain significance (1 of 4 stars; one submission).

Conditions:
Pityriasis rubra pilaris (PRP). Also called: Pityriasis rubra pilaris--familial type. Identifiers: Orphanet 2897, MedGen C0032027, MONDO:0100017, OMIM 173200, MONDO:0008251.
Psoriasis 2. Identifiers: MedGen C1864497, MONDO:0011269, OMIM 602723.

Submission:

Labcorp Genetics (formerly Invitae), Labcorp
Classification: Uncertain significance for Pityriasis rubra pilaris; Psoriasis 2. Last evaluated: 2020-03-03. Review status: criteria provided, single submitter. Criteria: Invitae Variant Classification Sherloc (09022015). Collection method: clinical testing. Allele origin: germline.
Comment: This variant has not been reported in the literature in individuals with CARD14-related conditions. In summary, the available evidence is currently insufficient to determine the role of this variant in disease. Therefore, it has been classified as a Variant of Uncertain Significance. Experimental studies and prediction algorithms are not available or were not evaluated, and the functional significance of this variant is currently unknown. This variant results in a copy number gain of the genomic region encompassing exons 2-13 of the CARD14 gene, which includes the initiator codon. The 5' end of this event is unknown as it extends beyond the assayed region for this gene and therefore may encompass additional genes. The 3' boundary is likely confined to intron 13 of the CARD14 gene. As the precise location of this event is unknown, it may be in tandem or it may be located elsewhere in the genome.